The following is an entry in ClinVar:

NM_001291303.3(FAT4):c.7147G>A (p.Val2383Ile)

Gene: FAT4 (FAT atypical cadherin 4; plus strand). Cytogenetic location: 4q28.1.
Variant type: single nucleotide variant.
Coding change: c.7147G>A on transcript NM_001291303.3 (MANE Select); coding-DNA position 7147, G replaced by A.
Protein change: p.Val2383Ile; replaces valine 2383 with isoleucine.
Molecular consequence: missense variant.
Genome position (GRCh38, 1-based): chr4:125,434,373, G>A. VCF-style: chr4-125434373-G-A. GRCh37 (hg19) VCF-style: chr4-126355528-G-A.
Other names: c.7147G>A, p.Val2383Ile (NM_001291285.3, NM_024582.6); c.7147G>A (NM_024582.4, NM_024582.5); short protein forms V2383I.
Identifiers: ClinVar variation 1449174 (VCV001449174.5), dbSNP rs143943210, ClinGen allele CA3073102.

ClinVar aggregate classification (germline): Uncertain significance. Review status: criteria provided, multiple submitters, no conflicts (2 of 4 stars). 3 submissions from 3 submitters: Uncertain significance (3). Last evaluated 2024-06-03.

Conditions:
Van Maldergem syndrome 2 (VMLDS2). Identifiers: Orphanet 314679, MedGen C3809875, MONDO:0014242, OMIM 615546.
Hennekam lymphangiectasia-lymphedema syndrome 2 (HKLLS2). Identifiers: Orphanet 2136, MedGen C4014939, MONDO:0014454, OMIM 616006.
Inborn genetic diseases. Identifiers: MedGen C0950123, MeSH D030342.

Allele frequency attached by ClinVar (database versions not stated): gnomAD exomes 0.00004 and 0.00006; ExAC 0.00005; TOPMed 0.00006; gnomAD 0.00007 and 0.00008; ESP Exome Variant Server 0.00008.
gnomAD v4.1: 94 of 1,613,890 alleles (0.0058%); highest among the groups gnomAD compares: Non-Finnish European, 0.0072%; no homozygotes.

Submissions (3):

Fulgent Genetics
Classification: Uncertain significance for Van Maldergem syndrome 2; Hennekam lymphangiectasia-lymphedema syndrome 2. Last evaluated: 2024-06-03. Review status: criteria provided, single submitter. Criteria: ACMG Guidelines, 2015. Collection method: clinical testing. Allele origin: germline.

Ambry Genetics
Classification: Uncertain significance for Inborn genetic diseases. Last evaluated: 2024-05-16. Review status: criteria provided, single submitter. Criteria: Ambry Variant Classification Scheme 2023. Collection method: clinical testing. Allele origin: germline.

Labcorp Genetics (formerly Invitae), Labcorp
Classification: Uncertain significance. Last evaluated: 2022-10-24. Review status: criteria provided, single submitter. Criteria: Invitae Variant Classification Sherloc (09022015). Collection method: clinical testing. Allele origin: germline.
Comment: This sequence change replaces valine, which is neutral and non-polar, with isoleucine, which is neutral and non-polar, at codon 2383 of the FAT4 protein (p.Val2383Ile). This variant is present in population databases (rs143943210, gnomAD 0.009%). This variant has not been reported in the literature in individuals affected with FAT4-related conditions. ClinVar contains an entry for this variant (Variation ID: 1449174). Advanced modeling of protein sequence and biophysical properties (such as structural, functional, and spatial information, amino acid conservation, physicochemical variation, residue mobility, and thermodynamic stability) performed at Invitae indicates that this missense variant is not expected to disrupt FAT4 protein function. In summary, the available evidence is currently insufficient to determine the role of this variant in disease. Therefore, it has been classified as a Variant of Uncertain Significance.